The following is an entry in ClinVar:

ClinVar aggregate classification (germline): Benign/Likely benign. Review status: criteria provided, multiple submitters, no conflicts (2 of 4 stars). 10 submissions from 10 submitters: Benign (2); Likely benign (8). Last evaluated 2026-01-19.

Conditions:
Hereditary cancer-predisposing syndrome. Also called: Neoplastic Syndromes, Hereditary; Tumor predisposition; Hereditary Cancer Syndrome; Hereditary neoplastic syndrome. Identifiers: Orphanet 140162, MedGen C0027672, MeSH D009386, MONDO:0015356.
Hereditary nonpolyposis colorectal neoplasms. Identifiers: MedGen C0009405, MeSH D003123.
Lynch syndrome 4 (LYNCH4). Also called: Colorectal cancer, hereditary nonpolyposis, type 4; Hereditary non-polyposis colorectal cancer, type 4. Identifiers: Orphanet 144, MedGen C1838333, MONDO:0013699, OMIM 614337. Disease mechanism: loss of function.
Lynch syndrome. Identifiers: Orphanet 144, MedGen C4552100, MONDO:0005835. Disease mechanism: loss of function.

Allele frequency attached by ClinVar (database versions not stated): ExAC 0.00002; gnomAD exomes 0.00002; TOPMed 0.00003; gnomAD 0.00004; ESP Exome Variant Server 0.00008.
gnomAD v4.1: 72 of 1,613,870 alleles (0.0045%); highest among the groups gnomAD compares: Non-Finnish European, 0.0061%; no homozygotes.

Submissions (10):

Labcorp Genetics (formerly Invitae), Labcorp
Classification: Likely benign for Hereditary nonpolyposis colorectal neoplasms. Last evaluated: 2026-01-19. Review status: criteria provided, single submitter. Criteria: Invitae Variant Classification Sherloc (09022015). Collection method: clinical testing. Allele origin: germline.

Quest Diagnostics Nichols Institute San Juan Capistrano
Classification: Likely benign. Last evaluated: 2025-03-07. Review status: criteria provided, single submitter. Criteria: Quest Diagnostics criteria. Collection method: clinical testing. Allele origin: unknown.

Myriad Genetics, Inc.
Classification: Benign for Lynch syndrome 4. Last evaluated: 2025-01-31. Review status: criteria provided, single submitter. Criteria: Myriad Autosomal Dominant, Autosomal Recessive and X-Linked Classification Criteria (2023). Collection method: clinical testing. Allele origin: unknown.
Comment: This variant is considered benign. This variant is a silent/synonymous amino acid change and it is not expected to impact splicing.

All of Us Research Program, National Institutes of Health
Classification: Likely benign for Lynch syndrome. Last evaluated: 2023-10-23. Review status: criteria provided, single submitter. Criteria: ACMG Guidelines, 2015. Collection method: clinical testing. Allele origin: germline. Inheritance: Autosomal dominant inheritance. Observed: 2 variant alleles, 2 heterozygotes.
Comment: This study involves interpretation of variants in research participants for the purpose of population health screening. Participant phenotype was not available at the time of variant classification. Additional details can be found in publication PMID: 35346344, PMCID: PMC8962531

Sema4
Classification: Likely benign for Hereditary cancer-predisposing syndrome. Last evaluated: 2022-02-10. Review status: criteria provided, single submitter. Criteria: Sema4 Curation Guidelines. Collection method: curation. Allele origin: germline.

Department of Pathology and Laboratory Medicine, Sinai Health System
Classification: Likely benign for Lynch syndrome. Last evaluated: 2020-10-16. Review status: criteria provided, single submitter. Criteria: ACMG Guidelines, 2015. Collection method: clinical testing. Allele origin: germline. Affected: yes.

Women's Health and Genetics/Laboratory Corporation of America, LabCorp
Classification: Likely benign. Last evaluated: 2019-08-29. Review status: criteria provided, single submitter. Criteria: LabCorp Variant Classification Summary - May 2015. Collection method: clinical testing. Allele origin: germline.

Color Diagnostics, LLC DBA Color Health
Classification: Likely benign for Hereditary cancer-predisposing syndrome. Last evaluated: 2016-02-10. Review status: criteria provided, single submitter. Criteria: ACMG Guidelines, 2015. Collection method: clinical testing. Allele origin: germline.

Ambry Genetics
Classification: Likely benign for Hereditary cancer-predisposing syndrome. Last evaluated: 2015-09-15. Review status: criteria provided, single submitter. Criteria: Ambry Variant Classification Scheme 2023. Collection method: clinical testing. Allele origin: germline.

GeneDx
Classification: Benign. Last evaluated: 2015-03-10. Review status: criteria provided, single submitter. Criteria: GeneDx Variant Classification (06012015). Collection method: clinical testing. Allele origin: germline. Affected: yes.
Comment: This variant is considered likely benign or benign based on one or more of the following criteria: it is a conservative change, it occurs at a poorly conserved position in the protein, it is predicted to be benign by multiple in silico algorithms, and/or has population frequency not consistent with disease.

NM_000535.7(PMS2):c.1806C>G (p.Ala602=)

Gene: PMS2 (PMS1 homolog 2, mismatch repair system component; minus strand). Cytogenetic location: 7p22.1.
Variant type: single nucleotide variant.
Coding change: c.1806C>G on transcript NM_000535.7 (MANE Select); coding-DNA position 1806, C replaced by G.
Protein change: p.Ala602=; no amino-acid change (alanine 602 retained).
Molecular consequence: synonymous variant. On other transcripts: non-coding transcript variant (1).
Genome position (GRCh38, 1-based): chr7:5,986,959, G>C on the plus strand (C>G on the coding strand, the complement: PMS2 is on the minus strand). VCF-style: chr7-5986959-G-C. GRCh37 (hg19) VCF-style: chr7-6026590-G-C.
Other names: c.1401C>G, p.Ala467= (NM_001322003.2, NM_001322004.2, NM_001322005.2 and 1 more transcripts); c.1650C>G, p.Ala550= (NM_001322006.2); c.1488C>G, p.Ala496= (NM_001322007.2, NM_001322008.2); c.1245C>G, p.Ala415= (NM_001322010.2); c.873C>G, p.Ala291= (NM_001322011.2, NM_001322012.2); c.1233C>G, p.Ala411= (NM_001322013.2); c.1806C>G, p.Ala602= (NM_001322014.2); c.1497C>G, p.Ala499= (NM_001322015.2).
Identifiers: ClinVar variation 234015 (VCV000234015.25), dbSNP rs376046767, ClinGen allele CA045605.
Genomic context (GRCh38, chr7:5,986,959, plus strand): 5'-CATAGAAAAGTCCAGGGGCACAACTTTCTTATTAATTTTCACAGCTACATCAACCTGAGA[G>C]GCTGACATGTCCTGAGTATTTACTAACTTTTGACAAATGTCAGAACTGGAAAGAATTTCT-3'
Protein context (NP_000526.2, residues 592-612): QKLVNTQDMS[Ala602=]SQVDVAVKIN